The following is an entry in ClinVar:

NM_025179.4(PLXNA2):c.3404C>A (p.Thr1135Asn)

Gene: PLXNA2 (plexin A2; minus strand). Cytogenetic location: 1q32.2.
Variant type: single nucleotide variant.
Coding change: c.3404C>A on transcript NM_025179.4 (MANE Select); coding-DNA position 3404, C replaced by A.
Protein change: p.Thr1135Asn; replaces threonine 1135 with asparagine.
Molecular consequence: missense variant.
Genome position (GRCh38, 1-based): chr1:208,045,969, G>T on the plus strand (C>A on the coding strand, the complement: PLXNA2 is on the minus strand). VCF-style: chr1-208045969-G-T. GRCh37 (hg19) VCF-style: chr1-208219314-G-T.
Other names: short protein forms T1135N.
Identifiers: ClinVar variation 4994989 (VCV004994989.1).

ClinVar aggregate classification (germline): Uncertain significance (1 of 4 stars; one submission).

Conditions:
PLXNA2-related disorder. Also called: PLXNA2-related condition.

Submission:

PreventionGenetics, part of Exact Sciences
Classification: Uncertain significance for PLXNA2-related condition. Last evaluated: 2025-09-29. Review status: criteria provided, single submitter. Criteria: ACMG Guidelines, 2015. Collection method: clinical testing. Allele origin: germline.
Comment: The PLXNA2 c.3404C>A variant is predicted to result in the amino acid substitution p.Thr1135Asn. To our knowledge, this variant has not been reported in the literature or in a large population database (gnomAD), indicating this variant is rare. At this time, the clinical significance of this variant is uncertain due to the absence of conclusive functional and genetic evidence.